The following is an entry in ClinVar:

NC_000017.10:g.(?_48264825)_(48278874_?)dup

Gene: COL1A1 (collagen type I alpha 1 chain; minus strand). Cytogenetic location: 17q21.33.
Variant type: Duplication.
Identifiers: ClinVar variation 2422334 (VCV002422334.3).

ClinVar aggregate classification (germline): Uncertain significance (1 of 4 stars; one submission).

Conditions:
Osteogenesis imperfecta type I (OI1). Also called: Lobstein's Disease; Osteogenesis imperfecta type 1; Lobstein disease; Classic Non-deforming Osteogenesis Imperfecta with Blue Sclerae; OI, TYPE I; OSTEOGENESIS IMPERFECTA TARDA. Identifiers: Orphanet 216796, Orphanet 666, MedGen C0023931, MONDO:0008146, OMIM 166200. Disease mechanism: loss of function.

Submission:

Labcorp Genetics (formerly Invitae), Labcorp
Classification: Uncertain significance for Osteogenesis imperfecta type I. Last evaluated: 2022-09-01. Review status: criteria provided, single submitter. Criteria: Invitae Variant Classification Sherloc (09022015). Collection method: clinical testing. Allele origin: germline.
Comment: This variant results in a copy number gain of the genomic region encompassing exon(s) 1-46 of the COL1A1 gene. This region includes the initiator codon of the gene. This copy number gain extends beyond the assayed region for this gene and therefore may encompass additional genes. As the precise location of this event is unknown, it may be in tandem or it may be located elsewhere in the genome. This variant has not been reported in the literature in individuals affected with COL1A1-related conditions. In summary, the available evidence is currently insufficient to determine the role of this variant in disease. Therefore, it has been classified as a Variant of Uncertain Significance.